The following is an entry in ClinVar:

NM_001017974.2(P4HA2):c.470-2A>G

Gene: P4HA2 (prolyl 4-hydroxylase subunit alpha 2; minus strand). Cytogenetic location: 5q31.1.
Variant type: single nucleotide variant.
Coding change: c.470-2A>G on transcript NM_001017974.2 (MANE Select); the canonical splice acceptor site of the intron before coding-DNA position 470, A replaced by G.
Molecular consequence: splice acceptor variant.
Genome position (GRCh38, 1-based): chr5:132,210,525, T>C on the plus strand (A>G on the coding strand, the complement: P4HA2 is on the minus strand). VCF-style: chr5-132210525-T-C. GRCh37 (hg19) VCF-style: chr5-131546218-T-C.
Other names: c.470-2A>G (NM_001365681.2, NM_001365677.2, NM_001142599.2 and 5 more transcripts).
Identifiers: ClinVar variation 3366037 (VCV003366037.1).

ClinVar aggregate classification (germline): Uncertain significance (1 of 4 stars; one submission).

Submission:

GeneDx
Classification: Uncertain significance. Last evaluated: 2023-10-17. Review status: criteria provided, single submitter. Criteria: GeneDx Variant Classification Process June 2021. Collection method: clinical testing. Allele origin: germline. Affected: yes.
Comment: Not observed at significant frequency in large population cohorts (gnomAD); Has not been previously published as pathogenic or benign to our knowledge; Canonical splice site variant in a gene for which loss-of-function is not an established mechanism of disease